The following is an entry in ClinVar:

NM_032043.3(BRIP1):c.2379+12586G>T

Gene: BRIP1 (BRCA1 interacting DNA helicase 1; minus strand). Cytogenetic location: 17q23.2.
Variant type: single nucleotide variant.
Coding change: c.2379+12586G>T on transcript NM_032043.3 (MANE Select); 12586 bases into the intron after coding-DNA position 2379, G replaced by T.
Molecular consequence: intron variant.
Genome position (GRCh38, 1-based): chr17:61,730,427, C>A on the plus strand (G>T on the coding strand, the complement: BRIP1 is on the minus strand). VCF-style: chr17-61730427-C-A. GRCh37 (hg19) VCF-style: chr17-59807788-C-A.
Identifiers: ClinVar variation 4785812 (VCV004785812.1).

ClinVar aggregate classification (germline): Uncertain significance (1 of 4 stars; one submission).

Conditions:
Fanconi anemia complementation group J. Also called: BRIP1-Related Fanconi Anemia. Identifiers: Orphanet 84, MedGen C1836860, MONDO:0012187, OMIM 609054.
Familial cancer of breast. Also called: BREAST CANCER, FAMILIAL; Hereditary breast cancer; hereditary breast carcinoma. Identifiers: Orphanet 227535, MedGen C0346153, MONDO:0016419, OMIM 114480. Disease mechanism: loss of function.

Submission:

Labcorp Genetics (formerly Invitae), Labcorp
Classification: Uncertain significance for Familial cancer of breast; Fanconi anemia complementation group J. Last evaluated: 2025-08-07. Review status: criteria provided, single submitter. Criteria: Invitae Variant Classification Sherloc (09022015). Collection method: clinical testing. Allele origin: germline.
Comment: This sequence change falls in intron 16 of the BRIP1 gene. It does not directly change the encoded amino acid sequence of the BRIP1 protein. RNA analysis indicates that this variant induces altered splicing and may result in an absent or altered protein product. This variant is not present in population databases (gnomAD no frequency). This variant has not been reported in the literature in individuals affected with BRIP1-related conditions. Studies have shown that this variant results in activation of a cryptic splice site, and produces a non-functional protein and/or introduces a premature termination codon (internal data). In summary, the available evidence is currently insufficient to determine the role of this variant in disease. Therefore, it has been classified as a Variant of Uncertain Significance.